The following is an entry in ClinVar:

ClinVar aggregate classification (germline): Conflicting classifications of pathogenicity. Review status: criteria provided, conflicting classifications (1 of 4 stars). 8 submissions from 8 submitters: Uncertain significance (1); Likely benign (5). 2 of the submissions do not count toward it. Last evaluated 2026-06-15.

Conditions:
Cystinuria (CSNU). Also called: CYSTINURIA, TYPE I; CYSTINURIA, TYPE II; CYSTINURIA, TYPE III; Cystinuria, non-type I. Identifiers: Orphanet 214, MedGen C0010691, MONDO:0009067, OMIM 220100, HP:0003131.
SLC3A1-related disorder. Also called: SLC3A1-related condition.

Allele frequency attached by ClinVar (database versions not stated): 1000 Genomes Project 30x 0.00109; 1000 Genomes Project 0.00120; gnomAD 0.00287 and 0.00292; TOPMed 0.00308; ESP Exome Variant Server 0.00423.
gnomAD v4.1: 6,101 of 1,613,892 alleles (0.38%); highest among the groups gnomAD compares: Middle Eastern, 0.82%; 22 homozygotes.

Submissions (8):

PreventionGenetics, part of Exact Sciences
Classification: Likely benign for SLC3A1-related condition. Last evaluated: 2026-06-15. Review status: criteria provided, single submitter. Criteria: ACMG Guidelines, 2015. Collection method: clinical testing. Allele origin: germline.
Comment: This variant is classified as likely benign based on ACMG/AMP sequence variant interpretation guidelines (Richards et al. 2015 PMID: 25741868, with internal and published modifications).

Labcorp Genetics (formerly Invitae), Labcorp
Classification: Likely benign for Cystinuria. Last evaluated: 2026-02-01. Review status: criteria provided, single submitter. Criteria: Invitae Variant Classification Sherloc (09022015). Collection method: clinical testing. Allele origin: germline.

Mayo Clinic Laboratories, Mayo Clinic
Classification: Likely benign. Last evaluated: 2025-08-13. Review status: criteria provided, single submitter. Criteria: ACMG Guidelines, 2015. Collection method: clinical testing. Allele origin: germline. Observed: 2 variant alleles.
Comment: BS1, BS2, PP3

CeGaT Center for Human Genetics Tuebingen
Classification: Likely benign. Last evaluated: 2025-06-01. Review status: criteria provided, single submitter. Criteria: CeGaT Center For Human Genetics Tuebingen Variant Classification Criteria Version 2. Collection method: clinical testing. Allele origin: germline. Affected: yes. Observed: 2 variant alleles.
Comment: SLC3A1: BS2

Blueprint Genetics
Classification: Likely benign. Last evaluated: 2024-11-25. Review status: criteria provided, single submitter. Criteria: ACMG Guidelines, 2015. Collection method: clinical testing. Allele origin: germline.

Illumina Laboratory Services, Illumina
Classification: Uncertain significance for Cystinuria. Last evaluated: 2017-04-27. Review status: criteria provided, single submitter. Criteria: ICSL Variant Classification Criteria 13 December 2019. Collection method: clinical testing. Allele origin: germline.
Comment: This variant was observed as part of a predisposition screen in an ostensibly healthy population. A literature search was performed for the gene, cDNA change, and amino acid change (where applicable). Publications were found based on this search. However, the evidence from the literature, in combination with allele frequency data from public databases where available, was not sufficient to rule this variant in or out of causing disease. Therefore, this variant is classified as a variant of unknown significance.

Chinese Inherited Urolithiasis Consortium, The Affiliated Yantai Yuhuangding Hospital of Qingdao University
Classification: Likely pathogenic for Cystinuria. Last evaluated: 2024-08-26. Review status: no assertion criteria provided. Collection method: clinical testing. Allele origin: biparental. Affected: yes. Observed: 1 variant allele. Not counted in ClinVar's aggregate classification.

Department of Pathology and Laboratory Medicine, Sinai Health System
Classification: Uncertain significance. Review status: no assertion criteria provided. Collection method: clinical testing. Allele origin: unknown. Affected: yes. Study: The Canadian Open Genetics Repository (COGR). Not counted in ClinVar's aggregate classification.

Literature cited by the submitters: PubMed 15635077 (cited by Mayo Clinic Laboratories, Mayo Clinic and Illumina Laboratory Services, Illumina); PubMed 24045899 (cited by Mayo Clinic Laboratories, Mayo Clinic); PubMed 26990548 (cited by Mayo Clinic Laboratories, Mayo Clinic); PubMed 31328266 (cited by Mayo Clinic Laboratories, Mayo Clinic).

NM_000341.4(SLC3A1):c.566C>T (p.Thr189Met)

Gene: SLC3A1 (solute carrier family 3 member 1; plus strand). Cytogenetic location: 2p21.
Variant type: single nucleotide variant.
Coding change: c.566C>T on transcript NM_000341.4 (MANE Select); coding-DNA position 566, C replaced by T.
Protein change: p.Thr189Met; replaces threonine 189 with methionine.
Molecular consequence: missense variant.
Genome position (GRCh38, 1-based): chr2:44,280,851, C>T. VCF-style: chr2-44280851-C-T. GRCh37 (hg19) VCF-style: chr2-44507990-C-T.
Other names: p.Thr189Met; short protein forms T189M.
Identifiers: ClinVar variation 709359 (VCV000709359.44), dbSNP rs140317484, ClinGen allele CA1640163.